The following is an entry in ClinVar:

NM_000051.4(ATM):c.96C>T (p.Arg32=)

Gene: ATM (ATM serine/threonine kinase; plus strand). Cytogenetic location: 11q22.3.
Variant type: single nucleotide variant.
Coding change: c.96C>T on transcript NM_000051.4 (MANE Select); coding-DNA position 96, C replaced by T.
Protein change: p.Arg32=; no amino-acid change (arginine 32 retained).
Molecular consequence: synonymous variant.
Genome position (GRCh38, 1-based): chr11:108,227,799, C>T. VCF-style: chr11-108227799-C-T. GRCh37 (hg19) VCF-style: chr11-108098526-C-T.
Other names: c.96C>T, p.Arg32= (NM_001351834.2, NM_001351835.2, NM_001351836.2).
Identifiers: ClinVar variation 482562 (VCV000482562.11), dbSNP rs1305090923, ClinGen allele CA476667999.

ClinVar aggregate classification (germline): Benign/Likely benign. Review status: criteria provided, multiple submitters, no conflicts (2 of 4 stars). 3 submissions from 3 submitters: Benign (1); Likely benign (2). Last evaluated 2024-04-17.

Conditions:
Hereditary cancer-predisposing syndrome. Also called: Hereditary neoplastic syndrome; Neoplastic Syndromes, Hereditary; Tumor predisposition; Hereditary Cancer Syndrome. Identifiers: Orphanet 140162, MedGen C0027672, MeSH D009386, MONDO:0015356.
Familial cancer of breast. Also called: BREAST CANCER, FAMILIAL; Hereditary breast cancer; hereditary breast carcinoma. Identifiers: Orphanet 227535, MedGen C0346153, MONDO:0016419, OMIM 114480. Disease mechanism: loss of function.
Ataxia-telangiectasia syndrome (AT). Also called: LOUIS-BAR SYNDROME; Cerebello-oculocutaneous telangiectasia; Immunodeficiency with ataxia telangiectasia; AT, COMPLEMENTATION GROUP C; Ataxia-telangiectasia, complementation group D; ATAXIA-TELANGIECTASIA, COMPLEMENTATION GROUP A. Identifiers: Orphanet 100, MedGen C0004135, MONDO:0008840, OMIM 208900.

Allele frequency attached by ClinVar (database versions not stated): gnomAD exomes below 0.00001.
gnomAD v4.1: 1 of 1,613,636 alleles (0.000062%); highest among the groups gnomAD compares: East Asian, 0.0022%; no homozygotes.

Submissions (3):

Myriad Genetics, Inc.
Classification: Benign for Familial cancer of breast. Last evaluated: 2024-04-17. Review status: criteria provided, single submitter. Criteria: Myriad Autosomal Dominant, Autosomal Recessive and X-Linked Classification Criteria (2023). Collection method: clinical testing. Allele origin: unknown.
Comment: This variant is considered benign. This variant is a silent/synonymous amino acid change and it is not expected to impact splicing.

Labcorp Genetics (formerly Invitae), Labcorp
Classification: Likely benign for Ataxia-telangiectasia syndrome. Last evaluated: 2022-04-11. Review status: criteria provided, single submitter. Criteria: Invitae Variant Classification Sherloc (09022015). Collection method: clinical testing. Allele origin: germline.

Ambry Genetics
Classification: Likely benign for Hereditary cancer-predisposing syndrome. Last evaluated: 2016-01-29. Review status: criteria provided, single submitter. Criteria: Ambry Variant Classification Scheme 2023. Collection method: clinical testing. Allele origin: germline.